The following is an entry in ClinVar:

ClinVar aggregate classification (germline): Uncertain significance (1 of 4 stars; one submission).

gnomAD v4.1: 1 of 1,612,846 alleles (0.000062%); highest among the groups gnomAD compares: Non-Finnish European, 0.000085%; no homozygotes.

Submission:

Labcorp Genetics (formerly Invitae), Labcorp
Classification: Uncertain significance. Last evaluated: 2022-05-25. Review status: criteria provided, single submitter. Criteria: Invitae Variant Classification Sherloc (09022015). Collection method: clinical testing. Allele origin: germline.
Comment: This variant is not present in population databases (gnomAD no frequency). This sequence change replaces threonine, which is neutral and polar, with serine, which is neutral and polar, at codon 517 of the RBP3 protein (p.Thr517Ser). This variant has not been reported in the literature in individuals affected with RBP3-related conditions. In summary, the available evidence is currently insufficient to determine the role of this variant in disease. Therefore, it has been classified as a Variant of Uncertain Significance. Algorithms developed to predict the effect of missense changes on protein structure and function are either unavailable or do not agree on the potential impact of this missense change (SIFT: "Deleterious"; PolyPhen-2: "Benign"; Align-GVGD: "Class C0").

NM_002900.3(RBP3):c.1549A>T (p.Thr517Ser)

Gene: RBP3 (retinol binding protein 3; plus strand). Cytogenetic location: 10q11.22.
Variant type: single nucleotide variant.
Coding change: c.1549A>T on transcript NM_002900.3 (MANE Select); coding-DNA position 1549, A replaced by T.
Protein change: p.Thr517Ser; replaces threonine 517 with serine.
Molecular consequence: missense variant.
Genome position (GRCh38, 1-based): chr10:47,350,033, A>T. VCF-style: chr10-47350033-A-T. GRCh37 (hg19) VCF-style: chr10-48389329-T-A.
Other names: short protein forms T517S.
Identifiers: ClinVar variation 1368903 (VCV001368903.6), dbSNP rs782133131, ClinGen allele CA206462035.